The following is an entry in ClinVar:

NM_001458.5(FLNC):c.3124T>A (p.Tyr1042Asn)

Gene: FLNC (filamin C; plus strand). Cytogenetic location: 7q32.1.
Variant type: single nucleotide variant.
Coding change: c.3124T>A on transcript NM_001458.5 (MANE Select); coding-DNA position 3124, T replaced by A.
Protein change: p.Tyr1042Asn; replaces tyrosine 1042 with asparagine.
Molecular consequence: missense variant.
Genome position (GRCh38, 1-based): chr7:128,844,198, T>A. VCF-style: chr7-128844198-T-A. GRCh37 (hg19) VCF-style: chr7-128484252-T-A.
Other names: c.3124T>A, p.Tyr1042Asn (NM_001127487.2); short protein forms Y1042N.
Identifiers: ClinVar variation 3345696 (VCV003345696.1).
Genomic context (GRCh38, chr7:128,844,198, plus strand): 5'-GAAGCCCAGGCTGTGCGCTACATGCCCCCGGAGGAGGGGCCCTACAAGGTGGATATCACC[T>A]ACGATGGTCACCCGGTGCCTGGCAGCCCGTTTGCTGTGGAGGGTGTCCTGCCCCCTGATC-3'
Protein context (NP_001449.3, residues 1032-1052): EEGPYKVDIT[Tyr1042Asn]DGHPVPGSPF

ClinVar aggregate classification (germline): Uncertain significance (0 of 4 stars; one submission).

Conditions:
FLNC-related disorder. Also called: FLNC-related condition; FLNC-related disorders.

Submission:

PreventionGenetics, part of Exact Sciences
Classification: Uncertain significance for FLNC-related condition. Last evaluated: 2024-06-25. Review status: no assertion criteria provided. Collection method: clinical testing. Allele origin: germline.
Comment: The FLNC c.3124T>A variant is predicted to result in the amino acid substitution p.Tyr1042Asn. To our knowledge, this variant has not been reported in the literature or in a large population database, indicating this variant is rare. At this time, the clinical significance of this variant is uncertain due to the absence of conclusive functional and genetic evidence.